The following is an entry in ClinVar:

ClinVar aggregate classification (germline): Uncertain significance (1 of 4 stars; one submission).

Conditions:
Mitochondrial complex II deficiency, nuclear type 1. Also called: SUCCINATE CoQ REDUCTASE DEFICIENCY. Identifiers: Orphanet 3208, MedGen C5700310, MONDO:0100294, OMIM 252011.
Pheochromocytoma/paraganglioma syndrome 5. Also called: Paragangliomas 5; SDHA-Related Hereditary Paraganglioma-Pheochromocytoma Syndrome. Identifiers: Orphanet 29072, MedGen C3279992, MONDO:0013602, OMIM 614165.

Submission:

Labcorp Genetics (formerly Invitae), Labcorp
Classification: Uncertain significance for Pheochromocytoma/paraganglioma syndrome 5; Mitochondrial complex II deficiency, nuclear type 1. Last evaluated: 2020-12-06. Review status: criteria provided, single submitter. Criteria: Invitae Variant Classification Sherloc (09022015). Collection method: clinical testing. Allele origin: germline.
Comment: In summary, the available evidence is currently insufficient to determine the role of this variant in disease. Therefore, it has been classified as a Variant of Uncertain Significance. Algorithms developed to predict the effect of missense changes on protein structure and function (SIFT, PolyPhen-2, Align-GVGD) all suggest that this variant is likely to be disruptive, but these predictions have not been confirmed by published functional studies and their clinical significance is uncertain. This variant has not been reported in the literature in individuals with SDHA-related conditions. This variant is not present in population databases (ExAC no frequency). This sequence change replaces lysine with asparagine at codon 335 of the SDHA protein (p.Lys335Asn). The lysine residue is highly conserved and there is a moderate physicochemical difference between lysine and asparagine.

NM_004168.4(SDHA):c.1005G>C (p.Lys335Asn)

Gene: SDHA (succinate dehydrogenase complex flavoprotein subunit A; plus strand). Cytogenetic location: 5p15.33.
Variant type: single nucleotide variant.
Coding change: c.1005G>C on transcript NM_004168.4 (MANE Select); coding-DNA position 1005, G replaced by C.
Protein change: p.Lys335Asn; replaces lysine 335 with asparagine.
Molecular consequence: missense variant.
Genome position (GRCh38, 1-based): chr5:233,586, G>C. VCF-style: chr5-233586-G-C. GRCh37 (hg19) VCF-style: chr5-233701-G-C.
Other names: c.861G>C, p.Lys287Asn (NM_001294332.2); c.1005G>C, p.Lys335Asn (NM_001330758.2); short protein forms K287N, K335N.
Identifiers: ClinVar variation 1491810 (VCV001491810.8), dbSNP rs1735559685, ClinGen allele CA359012831.